The following continues an entry in ClinVar:

NM_001042492.3(NF1):c.6852_6855del (p.Tyr2285fs)

Gene: NF1. ClinVar aggregate classification (germline): Pathogenic. Pathogenic (23). ClinVar aggregate classification (somatic clinical impact): Tier I - Strong. ClinVar aggregate classification (oncogenicity): Likely oncogenic.

Submissions 26 to 28 of 28:

Neuberg Centre For Genomic Medicine, NCGM
Classification: Pathogenic for Neurofibromatosis, type 1. Review status: criteria provided, single submitter. Criteria: ACMG Guidelines, 2015. Collection method: clinical testing. Allele origin: germline. Inheritance: Autosomal dominant inheritance. Affected: yes.
Comment: The observed frameshift variant c.6852_6855del (p.Tyr2285ThrfsTer5) in NF1 gene has been reported previously in multiple individuals affected with Neurofibromatosis Type 1 (Maruoka et al. 2014; Riva et al. 2022). The p.Tyr2285ThrfsTer5 variant is absent in gnomAD Exomes database. This variant has been submitted to the ClinVar database as Pathogenic (multiple submissions). This variant causes a frameshift starting with codon Tyrosine 2285, changes this amino acid to Threonine residue, and creates a premature Stop codon at position 5 of the new reading frame, denoted p.Tyr2285ThrfsTer5. This variant is predicted to cause loss of normal protein function through protein truncation. Loss of function variants in NF1 gene have been previously reported to be disease causing. For these reasons, this variant has been classified as Pathogenic.

Biochemical Molecular Genetic Laboratory, King Abdulaziz Medical City
Classification: Pathogenic for Neurofibromatosis, type 1. Last evaluated: 2020-02-05. Review status: no assertion criteria provided. Collection method: clinical testing. Allele origin: germline. Affected: yes. Not counted in ClinVar's aggregate classification.

Genome Sciences Centre, British Columbia Cancer Agency
Classification: Likely oncogenic for Ganglioglioma. Last evaluated: 2019-05-21. Review status: no assertion criteria provided. Collection method: research. Allele origin: somatic. Affected: yes. Not counted in ClinVar's aggregate classification.

Literature cited by the submitters: PubMed 20301288 (cited by Victorian Clinical Genetics Services, Murdoch Childrens Research Institute); PubMed 10712197 (cited by 3 submitters); PubMed 23913538 (cited by 3 submitters); PubMed 7607663 (cited by 5 submitters); PubMed 16835897 (cited by 5 submitters); PubMed 24357598 (cited by 5 submitters); PubMed 25325900 (cited by Labcorp Genetics (formerly Invitae), Labcorp); PubMed 27980226 (cited by 5 submitters); PubMed 19738042 (cited by 4 submitters); PubMed 16944272 (cited by 4 submitters); PubMed 32282345 (cited by Center for Genomic Medicine, Rigshospitalet, Copenhagen University Hospital); PubMed 34504233 (cited by Center for Genomic Medicine, Rigshospitalet, Copenhagen University Hospital); PubMed 28042970 (cited by Center for Genomic Medicine, Rigshospitalet, Copenhagen University Hospital); PubMed 30530636 (cited by Mayo Clinic Laboratories, Mayo Clinic); PubMed 31776437 (cited by Mayo Clinic Laboratories, Mayo Clinic); PubMed 34427956 (cited by 4 submitters); PubMed 34988040 (cited by 3 submitters); PubMed 36317063 (cited by Mayo Clinic Laboratories, Mayo Clinic); PubMed 36612057 (cited by Mayo Clinic Laboratories, Mayo Clinic); PubMed 40169570 (cited by Mayo Clinic Laboratories, Mayo Clinic); PubMed 18546366 (cited by 3 submitters); PubMed 1757093 (cited by Dasa); PubMed 1302608 (cited by Dasa); PubMed 28912153 (cited by Institute for Genomic Medicine (IGM) Clinical Laboratory, Nationwide Children's Hospital); PubMed 1568247 (cited by Institute for Genomic Medicine (IGM) Clinical Laboratory, Nationwide Children's Hospital); PubMed 27263935 (cited by Institute for Genomic Medicine (IGM) Clinical Laboratory, Nationwide Children's Hospital); PubMed 23583981 (cited by Institute for Genomic Medicine (IGM) Clinical Laboratory, Nationwide Children's Hospital); PubMed 32289278 (cited by Institute for Genomic Medicine (IGM) Clinical Laboratory, Nationwide Children's Hospital); PubMed 26969325 (cited by Department of Genomics, ADN Uruguay); PubMed 34166060 (cited by Institute for Genomic Medicine (IGM) Clinical Laboratory, Nationwide Children's Hospital); PubMed 24436047 (cited by Institute for Genomic Medicine (IGM) Clinical Laboratory, Nationwide Children's Hospital); PubMed 26138366 (cited by Institute for Genomic Medicine (IGM) Clinical Laboratory, Nationwide Children's Hospital); PubMed 21412928 (cited by Institute for Genomic Medicine (IGM) Clinical Laboratory, Nationwide Children's Hospital); PubMed 31371350 (cited by Athena Diagnostics and Quest Diagnostics Nichols Institute San Juan Capistrano); PubMed 15523642 (cited by Athena Diagnostics and Quest Diagnostics Nichols Institute San Juan Capistrano).